The following is an entry in ClinVar:

ClinVar aggregate classification (germline): Likely benign (0 of 4 stars; one submission).

Conditions:
SH2B1-related disorder. Also called: SH2B1-related condition.

Submission:

PreventionGenetics, part of Exact Sciences
Classification: Likely benign for SH2B1-related condition. Last evaluated: 2024-05-31. Review status: no assertion criteria provided. Collection method: clinical testing. Allele origin: germline.
Comment: This variant is classified as likely benign based on ACMG/AMP sequence variant interpretation guidelines (Richards et al. 2015 PMID: 25741868, with internal and published modifications).

NM_001387430.1(SH2B1):c.282C>G (p.Pro94=)

Gene: SH2B1 (SH2B adaptor protein 1; plus strand). Cytogenetic location: 16p11.2.
Variant type: single nucleotide variant.
Coding change: c.282C>G on transcript NM_001387430.1 (MANE Select); coding-DNA position 282, C replaced by G.
Protein change: p.Pro94=; no amino-acid change (proline 94 retained).
Molecular consequence: synonymous variant. On other transcripts: intron variant (1).
Genome position (GRCh38, 1-based): chr16:28,866,376, C>G. VCF-style: chr16-28866376-C-G. GRCh37 (hg19) VCF-style: chr16-28877697-C-G.
Other names: c.282C>G, p.Pro94= (NM_001145795.2, NM_001145796.2, NM_001145797.2 and 4 more transcripts); c.-26-998C>G (NM_001308294.2).
Identifiers: ClinVar variation 3346507 (VCV003346507.1).